The following is an entry in ClinVar:

NM_198239.2(CCN6):c.469A>G (p.Ile157Val)

Gene: CCN6 (cellular communication network factor 6; plus strand). Cytogenetic location: 6q21.
Variant type: single nucleotide variant.
Coding change: c.469A>G on transcript NM_198239.2 (MANE Select); coding-DNA position 469, A replaced by G.
Protein change: p.Ile157Val; replaces isoleucine 157 with valine.
Molecular consequence: missense variant. On other transcripts: non-coding transcript variant (2).
Genome position (GRCh38, 1-based): chr6:112,064,877, A>G. VCF-style: chr6-112064877-A-G. GRCh37 (hg19) VCF-style: chr6-112386080-A-G.
Other names: c.469A>G, p.Ile157Val (NM_003880.4); short protein forms I157V.
Identifiers: ClinVar variation 1927687 (VCV001927687.5), dbSNP rs587643325, ClinGen allele CA3964003.

ClinVar aggregate classification (germline): Uncertain significance (1 of 4 stars; one submission).

Allele frequency attached by ClinVar (database versions not stated): ExAC 0.00001; gnomAD 0.00001; 1000 Genomes Project 30x 0.00016; 1000 Genomes Project 0.00020.
gnomAD v4.1: 2 of 1,614,130 alleles (0.00012%); highest among the groups gnomAD compares: Admixed American, 0.0033%; no homozygotes.

Submission:

Labcorp Genetics (formerly Invitae), Labcorp
Classification: Uncertain significance. Last evaluated: 2024-04-16. Review status: criteria provided, single submitter. Criteria: Invitae Variant Classification Sherloc (09022015). Collection method: clinical testing. Allele origin: germline.
Comment: This sequence change replaces isoleucine, which is neutral and non-polar, with valine, which is neutral and non-polar, at codon 157 of the WISP3 protein (p.Ile157Val). This variant is present in population databases (rs587643325, gnomAD 0.003%). This variant has not been reported in the literature in individuals affected with WISP3-related conditions. ClinVar contains an entry for this variant (Variation ID: 1927687). Advanced modeling of protein sequence and biophysical properties (such as structural, functional, and spatial information, amino acid conservation, physicochemical variation, residue mobility, and thermodynamic stability) performed at Invitae indicates that this missense variant is not expected to disrupt WISP3 protein function with a negative predictive value of 80%. In summary, the available evidence is currently insufficient to determine the role of this variant in disease. Therefore, it has been classified as a Variant of Uncertain Significance.